The following is an entry in ClinVar:

NM_003011.4(SET):c.664G>T (p.Val222Phe)

Gene: SET (SET nuclear proto-oncogene; plus strand). Cytogenetic location: 9q34.11.
Variant type: single nucleotide variant.
Coding change: c.664G>T on transcript NM_003011.4 (MANE Select); coding-DNA position 664, G replaced by T.
Protein change: p.Val222Phe; replaces valine 222 with phenylalanine.
Molecular consequence: missense variant.
Genome position (GRCh38, 1-based): chr9:128,693,896, G>T. VCF-style: chr9-128693896-G-T. GRCh37 (hg19) VCF-style: chr9-131456175-G-T.
Other names: c.703G>T, p.Val235Phe (NM_001122821.2, NM_001374326.1); c.637G>T, p.Val213Phe (NM_001248000.2); c.631G>T, p.Val211Phe (NM_001248001.2); short protein forms V211F, V213F, V222F, V235F.
Identifiers: ClinVar variation 3253464 (VCV003253464.2), dbSNP rs2490440641.

ClinVar aggregate classification (germline): Uncertain significance (1 of 4 stars; one submission).

Submission:

GeneDx
Classification: Uncertain significance. Last evaluated: 2026-02-21. Review status: criteria provided, single submitter. Criteria: GeneDx Variant Classification Process June 2021. Collection method: clinical testing. Allele origin: germline.
Comment: Not observed at significant frequency in large population cohorts (gnomAD); In silico analysis supports that this missense variant has a deleterious effect on protein structure/function; Has not been previously published as pathogenic or benign to our knowledge